The following is an entry in ClinVar:

ClinVar aggregate classification (germline): Uncertain significance (1 of 4 stars; one submission).

Conditions:
IFT172-related disorder. Also called: IFT172-related disorders; IFT172-related condition.

gnomAD v4.1: 1 of 1,614,098 alleles (0.000062%); highest among the groups gnomAD compares: Admixed American, 0.0017%; no homozygotes.

Submission:

PreventionGenetics, part of Exact Sciences
Classification: Uncertain significance for IFT172-related condition. Last evaluated: 2025-09-23. Review status: criteria provided, single submitter. Criteria: ACMG Guidelines, 2015. Collection method: clinical testing. Allele origin: germline.
Comment: The IFT172 c.724G>C variant is predicted to result in the amino acid substitution p.Glu242Gln. To our knowledge, this variant has not been reported in the literature. This variant is reported in 0.0029% of alleles in individuals of Latino descent in gnomAD. At this time, the clinical significance of this variant is uncertain due to the absence of conclusive functional and genetic evidence.

NM_015662.3(IFT172):c.724G>C (p.Glu242Gln)

Gene: IFT172 (intraflagellar transport 172; minus strand). Cytogenetic location: 2p23.3.
Variant type: single nucleotide variant.
Coding change: c.724G>C on transcript NM_015662.3 (MANE Select); coding-DNA position 724, G replaced by C.
Protein change: p.Glu242Gln; replaces glutamic acid 242 with glutamine.
Molecular consequence: missense variant.
Genome position (GRCh38, 1-based): chr2:27,481,107, C>G on the plus strand (G>C on the coding strand, the complement: IFT172 is on the minus strand). VCF-style: chr2-27481107-C-G. GRCh37 (hg19) VCF-style: chr2-27703974-C-G.
Other names: c.724G>C, p.Glu242Gln (NM_001410739.1); short protein forms E242Q.
Identifiers: ClinVar variation 4989194 (VCV004989194.1).